The following is an entry in ClinVar:

ClinVar aggregate classification (germline): Likely benign. Review status: criteria provided, multiple submitters, no conflicts (2 of 4 stars). 3 submissions from 3 submitters: Likely benign (2). 1 of the submissions does not count toward it. Last evaluated 2024-11-22.

Conditions:
PRG4-related disorder. Also called: PRG4-related condition.

Allele frequency attached by ClinVar (database versions not stated): gnomAD 0.00080; TOPMed 0.00083; ESP Exome Variant Server 0.00092; gnomAD exomes 0.00097; 1000 Genomes Project 0.00120; 1000 Genomes Project 30x 0.00125; ExAC 0.00128.
gnomAD v4.1: 1,557 of 1,613,748 alleles (0.096%); highest among the groups gnomAD compares: Middle Eastern, 0.87%; 7 homozygotes.

Submissions (3):

Blueprint Genetics
Classification: Likely benign. Last evaluated: 2024-11-22. Review status: criteria provided, single submitter. Criteria: ACMG Guidelines, 2015. Collection method: clinical testing. Allele origin: germline.

CeGaT Center for Human Genetics Tuebingen
Classification: Likely benign. Last evaluated: 2023-03-01. Review status: criteria provided, single submitter. Criteria: CeGaT Center For Human Genetics Tuebingen Variant Classification Criteria Version 2. Collection method: clinical testing. Allele origin: germline. Affected: yes. Observed: 2 variant alleles.
Comment: PRG4: BP4, BP7

PreventionGenetics, part of Exact Sciences
Classification: Likely benign for PRG4-related condition. Last evaluated: 2019-03-20. Review status: no assertion criteria provided. Collection method: clinical testing. Allele origin: germline. Not counted in ClinVar's aggregate classification.
Comment: This variant is classified as likely benign based on ACMG/AMP sequence variant interpretation guidelines (Richards et al. 2015 PMID: 25741868, with internal and published modifications).

NM_005807.6(PRG4):c.3702A>G (p.Lys1234=)

Gene: PRG4 (proteoglycan 4; plus strand). Cytogenetic location: 1q31.1.
Variant type: single nucleotide variant.
Coding change: c.3702A>G on transcript NM_005807.6 (MANE Select); coding-DNA position 3702, A replaced by G.
Protein change: p.Lys1234=; no amino-acid change (lysine 1234 retained).
Molecular consequence: synonymous variant.
Genome position (GRCh38, 1-based): chr1:186,311,505, A>G. VCF-style: chr1-186311505-A-G. GRCh37 (hg19) VCF-style: chr1-186280637-A-G.
Other names: c.3702A>G (NM_005807.4); c.3579A>G, p.Lys1193= (NM_001127708.3); c.3423A>G, p.Lys1141= (NM_001127709.3); c.3300A>G, p.Lys1100= (NM_001127710.3); c.3573A>G, p.Lys1191= (NM_001303232.2).
Identifiers: ClinVar variation 2639663 (VCV002639663.26), dbSNP rs140871526, ClinGen allele CA1296721.